The following is an entry in ClinVar:

ClinVar aggregate classification (germline): Likely benign. Review status: criteria provided, multiple submitters, no conflicts (2 of 4 stars). 4 submissions from 4 submitters: Likely benign (3). 1 of the submissions does not count toward it. Last evaluated 2025-10-21.

Conditions:
WDR1-related disorder. Also called: WDR1-related condition.

Allele frequency attached by ClinVar (database versions not stated): ExAC 0.00004; gnomAD 0.00004; TOPMed 0.00007; gnomAD exomes 0.00009.
gnomAD v4.1: 136 of 1,613,338 alleles (0.0084%); highest among the groups gnomAD compares: Middle Eastern, 0.016%; no homozygotes.

Submissions (4):

Labcorp Genetics (formerly Invitae), Labcorp
Classification: Likely benign. Last evaluated: 2025-10-21. Review status: criteria provided, single submitter. Criteria: Invitae Variant Classification Sherloc (09022015). Collection method: clinical testing. Allele origin: germline.

Blueprint Genetics
Classification: Likely benign. Last evaluated: 2024-08-19. Review status: criteria provided, single submitter. Criteria: ACMG Guidelines, 2015. Collection method: clinical testing. Allele origin: germline.

CeGaT Center for Human Genetics Tuebingen
Classification: Likely benign. Last evaluated: 2022-07-01. Review status: criteria provided, single submitter. Criteria: CeGaT Center For Human Genetics Tuebingen Variant Classification Criteria Version 2. Collection method: clinical testing. Allele origin: germline. Affected: yes. Observed: 1 variant allele.
Comment: WDR1: BP4, BP7

PreventionGenetics, part of Exact Sciences
Classification: Likely benign for WDR1-related condition. Last evaluated: 2019-03-06. Review status: no assertion criteria provided. Collection method: clinical testing. Allele origin: germline. Not counted in ClinVar's aggregate classification.
Comment: This variant is classified as likely benign based on ACMG/AMP sequence variant interpretation guidelines (Richards et al. 2015 PMID: 25741868, with internal and published modifications).

NM_017491.5(WDR1):c.21G>A (p.Lys7=)

Gene: WDR1 (WD repeat domain 1; minus strand). Cytogenetic location: 4p16.1.
Variant type: single nucleotide variant.
Coding change: c.21G>A on transcript NM_017491.5 (MANE Select); coding-DNA position 21, G replaced by A.
Protein change: p.Lys7=; no amino-acid change (lysine 7 retained).
Molecular consequence: synonymous variant.
Genome position (GRCh38, 1-based): chr4:10,116,230, C>T on the plus strand (G>A on the coding strand, the complement: WDR1 is on the minus strand). VCF-style: chr4-10116230-C-T. GRCh37 (hg19) VCF-style: chr4-10117854-C-T.
Other names: c.21G>A, p.Lys7= (NM_005112.5); c.21G>A (NM_017491.3).
Identifiers: ClinVar variation 2200546 (VCV002200546.30), dbSNP rs757206701, ClinGen allele CA2858261.